The following is an entry in ClinVar:

ClinVar aggregate classification (germline): Pathogenic (1 of 4 stars; one submission).

Conditions:
Townes syndrome (TBS). Also called: Townes-Brocks syndrome. Identifiers: Orphanet 857, MedGen C0265246, MeSH C536974, MONDO:0007142.

Submission:

Labcorp Genetics (formerly Invitae), Labcorp
Classification: Pathogenic for Townes syndrome. Last evaluated: 2023-12-15. Review status: criteria provided, single submitter. Criteria: Invitae Variant Classification Sherloc (09022015). Collection method: clinical testing. Allele origin: germline.
Comment: This sequence change creates a premature translational stop signal (p.Glu437*) in the SALL1 gene. It is expected to result in an absent or disrupted protein product. Loss-of-function variants in SALL1 are known to be pathogenic (PMID: 9973281, 12915476, 16088922, 23069192). This variant is not present in population databases (gnomAD no frequency). This variant has not been reported in the literature in individuals affected with SALL1-related conditions. For these reasons, this variant has been classified as Pathogenic.

Literature cited by the submitters: PubMed 9973281; PubMed 12915476; PubMed 16088922; PubMed 23069192.

NM_002968.3(SALL1):c.1309G>T (p.Glu437Ter)

Gene: SALL1 (spalt like transcription factor 1; minus strand). Cytogenetic location: 16q12.1.
Variant type: single nucleotide variant.
Coding change: c.1309G>T on transcript NM_002968.3 (MANE Select); coding-DNA position 1309, G replaced by T.
Protein change: p.Glu437Ter; replaces glutamic acid 437 with a stop codon.
Molecular consequence: nonsense.
Genome position (GRCh38, 1-based): chr16:51,140,913, C>A on the plus strand (G>T on the coding strand, the complement: SALL1 is on the minus strand). VCF-style: chr16-51140913-C-A. GRCh37 (hg19) VCF-style: chr16-51174824-C-A.
Other names: c.1018G>T, p.Glu340Ter (NM_001127892.2); short protein forms E340*, E437*.
Identifiers: ClinVar variation 2703340 (VCV002703340.3), dbSNP rs2506492504, ClinGen allele CA395888954.